The following is an entry in ClinVar:

NM_030662.4(MAP2K2):c.890G>A (p.Arg297Gln)

Gene: MAP2K2 (mitogen-activated protein kinase kinase 2; minus strand). Cytogenetic location: 19p13.3.
Variant type: single nucleotide variant.
Coding change: c.890G>A on transcript NM_030662.4 (MANE Select); coding-DNA position 890, G replaced by A.
Protein change: p.Arg297Gln; replaces arginine 297 with glutamine.
Molecular consequence: missense variant.
Genome position (GRCh38, 1-based): chr19:4,099,230, C>T on the plus strand (G>A on the coding strand, the complement: MAP2K2 is on the minus strand). VCF-style: chr19-4099230-C-T. GRCh37 (hg19) VCF-style: chr19-4099228-C-T.
Other names: p.Arg297Gln; short protein forms R297Q.
Identifiers: ClinVar variation 285121 (VCV000285121.33), dbSNP rs140111079, ClinGen allele CA9090804.

ClinVar aggregate classification (germline): Conflicting classifications of pathogenicity. Review status: criteria provided, conflicting classifications (1 of 4 stars). 7 submissions from 7 submitters: Uncertain significance (6); Likely benign (1). Last evaluated 2026-05-01.

Conditions:
Cardiofaciocutaneous syndrome 4 (CFC4). Also called: MAP2K2-Related Cardiofaciocutaneous Syndrome. Identifiers: Orphanet 1340, MedGen C3809007, MONDO:0014114, OMIM 615280.
RASopathy. Also called: rasopathies; Noonan spectrum disorder. Identifiers: Orphanet 536391, MedGen C5555857, MONDO:0021060.

Allele frequency attached by ClinVar (database versions not stated): gnomAD exomes 0.00002; ExAC 0.00004; gnomAD 0.00006; TOPMed 0.00006; ESP Exome Variant Server 0.00008.
gnomAD v4.1: 104 of 1,604,216 alleles (0.0065%); highest among the groups gnomAD compares: Non-Finnish European, 0.0083%; no homozygotes.

Submissions (7):

CeGaT Center for Human Genetics Tuebingen
Classification: Likely benign. Last evaluated: 2026-05-01. Review status: criteria provided, single submitter. Criteria: CeGaT Center For Human Genetics Tuebingen Variant Classification Criteria Version 2. Collection method: clinical testing. Allele origin: germline. Affected: yes. Observed: 2 variant alleles.
Comment: MAP2K2: BP4, BS2

Labcorp Genetics (formerly Invitae), Labcorp
Classification: Uncertain significance for RASopathy. Last evaluated: 2025-12-15. Review status: criteria provided, single submitter. Criteria: Invitae Variant Classification Sherloc (09022015). Collection method: clinical testing. Allele origin: germline.
Comment: This sequence change replaces arginine, which is basic and polar, with glutamine, which is neutral and polar, at codon 297 of the MAP2K2 protein (p.Arg297Gln). This variant is present in population databases (rs140111079, gnomAD 0.006%). This missense change has been observed in individual(s) with MAP2K2-related conditions (PMID: 29907801). ClinVar contains an entry for this variant (Variation ID: 285121). Invitae Evidence Modeling incorporating data from in vitro experimental studies (internal data) indicates that this missense variant is not expected to disrupt MAP2K2 function with a negative predictive value of 95%. In summary, the available evidence is currently insufficient to determine the role of this variant in disease. Therefore, it has been classified as a Variant of Uncertain Significance.

Mayo Clinic Laboratories, Mayo Clinic
Classification: Uncertain significance. Last evaluated: 2025-09-06. Review status: criteria provided, single submitter. Criteria: ACMG Guidelines, 2015. Collection method: clinical testing. Allele origin: germline. Observed: 1 variant allele.
Comment: BP4_moderate

GeneDx
Classification: Uncertain significance. Last evaluated: 2024-06-17. Review status: criteria provided, single submitter. Criteria: GeneDx Variant Classification Process June 2021. Collection method: clinical testing. Allele origin: germline. Affected: yes.
Comment: Reported in a patient referred for Noonan syndrome genetic testing (PMID: 30050098); In silico analysis indicates that this missense variant does not alter protein structure/function; Missense variants in this gene are a common cause of disease and they are underrepresented in the general population; This variant is associated with the following publications: (PMID: 30050098, 29493581, 29907801)

Fulgent Genetics
Classification: Uncertain significance for Cardiofaciocutaneous syndrome 4. Last evaluated: 2018-10-31. Review status: criteria provided, single submitter. Criteria: ACMG Guidelines, 2015. Collection method: clinical testing. Allele origin: unknown.

ARUP Laboratories, Molecular Genetics and Genomics, ARUP Laboratories
Classification: Uncertain significance for Cardiofaciocutaneous syndrome 4. Last evaluated: 2018-09-28. Review status: criteria provided, single submitter. Criteria: ARUP Molecular Germline Variant Investigation Process. Collection method: clinical testing. Allele origin: germline.
Comment: The MAP2K2 c.890G>A; p.Arg297Gln variant (rs140111079), to our knowledge, is not described in the medical literature but is reported as a variant of uncertain significance in ClinVar (Variation ID: 285121). It is observed in the Non-Finnish European population at an overall frequency of 0.006% (7/114722 alleles) in the Genome Aggregation Database. The arginine at codon 297 is highly conserved, but computational algorithms (PolyPhen-2, SIFT) predict that this variant is tolerated. Due to the lack of clinical and functional data regarding this variant, its clinical significance cannot be determined with certainty.

Eurofins Ntd Llc (ga)
Classification: Uncertain significance. Last evaluated: 2015-12-04. Review status: criteria provided, single submitter. Criteria: EGL Classification Definitions 2015. Collection method: clinical testing. Allele origin: germline. Observed: 1 variant allele, 1 heterozygote.

Literature cited by the submitters: PubMed 29907801 (cited by Labcorp Genetics (formerly Invitae), Labcorp and Mayo Clinic Laboratories, Mayo Clinic).